The following is an entry in ClinVar:

ClinVar aggregate classification (germline): Likely benign (1 of 4 stars; one submission).

Submission:

CeGaT Center for Human Genetics Tuebingen
Classification: Likely benign. Last evaluated: 2026-05-01. Review status: criteria provided, single submitter. Criteria: CeGaT Center For Human Genetics Tuebingen Variant Classification Criteria Version 2. Collection method: clinical testing. Allele origin: germline. Affected: yes. Observed: 1 variant allele.
Comment: ONECUT3: PM2:Supporting, BP4, BP7

NM_001080488.2(ONECUT3):c.255G>C (p.Ala85=)

Gene: ONECUT3 (one cut homeobox 3; plus strand). Cytogenetic location: 19p13.3.
Variant type: single nucleotide variant.
Coding change: c.255G>C on transcript NM_001080488.2 (MANE Select); coding-DNA position 255, G replaced by C.
Protein change: p.Ala85=; no amino-acid change (alanine 85 retained).
Molecular consequence: synonymous variant.
Genome position (GRCh38, 1-based): chr19:1,753,917, G>C. VCF-style: chr19-1753917-G-C. GRCh37 (hg19) VCF-style: chr19-1753916-G-C.
Identifiers: ClinVar variation 4873847 (VCV004873847.2).